The following is an entry in ClinVar:

ClinVar aggregate classification (germline): Pathogenic (1 of 4 stars; one submission).

Conditions:
Developmental and epileptic encephalopathy, 25 (DEE25). Also called: Epileptic encephalopathy, early infantile, 25; Developmental and epileptic encephalopathy 25, with amelogenesis imperfecta; Epileptic encephalopathy, early infantile, 25, with amelogenesis imperfecta. Identifiers: Orphanet 442835, MedGen C4014621, MONDO:0014392, OMIM 615905.

Submission:

Labcorp Genetics (formerly Invitae), Labcorp
Classification: Pathogenic for Developmental and epileptic encephalopathy, 25. Last evaluated: 2022-07-25. Review status: criteria provided, single submitter. Criteria: Invitae Variant Classification Sherloc (09022015). Collection method: clinical testing. Allele origin: germline.
Comment: For these reasons, this variant has been classified as Pathogenic. This sequence change creates a premature translational stop signal (p.Ile29Cysfs*50) in the SLC13A5 gene. It is expected to result in an absent or disrupted protein product. Loss-of-function variants in SLC13A5 are known to be pathogenic (PMID: 24995870, 26384929). This variant is not present in population databases (gnomAD no frequency). This variant has not been reported in the literature in individuals affected with SLC13A5-related conditions.

Literature cited by the submitters: PubMed 24995870; PubMed 26384929.

NM_177550.5(SLC13A5):c.85_101delinsT (p.Ile29fs)

Gene: SLC13A5 (solute carrier family 13 member 5; minus strand). Cytogenetic location: 17p13.1.
Variant type: Indel.
Coding change: c.85_101delinsT on transcript NM_177550.5 (MANE Select); coding-DNA positions 85 to 101, ATTCTGATGCCCGCCAA replaced by T.
Protein change: p.Ile29fs; shifts the reading frame from isoleucine 29.
Molecular consequence: frameshift variant.
Genome position (GRCh38, 1-based): chr17:6,713,233-6,713,249, TTGGCGGGCATCAGAAT replaced by A on the plus strand (ATTCTGATGCCCGCCAA replaced by T on the coding strand, the reverse complement: SLC13A5 is on the minus strand). VCF-style: chr17-6713233-TTGGCGGGCATCAGAAT-A. GRCh37 (hg19) VCF-style: chr17-6616552-TTGGCGGGCATCAGAAT-A.
Other names: c.85_101delinsT, p.Ile29fs (NM_001284509.2, NM_001284510.2, NM_001143838.3); short protein forms I29fs.
Identifiers: ClinVar variation 2101634 (VCV002101634.4), dbSNP rs2544660833, ClinGen allele CA2580094739.
Genomic context (GRCh38, chr17:6,713,233, plus strand): 5'-GCCCGTTAGTGGGCACAGGACGCCGGGTGTCCGAAGGGCTGCCTGGAGATGCAACTGACC[TTGGCGGGCATCAGAAT>A]GACGAGTGGCAGCAGCAGGAGCGGGGTGACGAACAAGATCACGAAGGACTTGAACTTGGA-3'